The following is an entry in ClinVar:

NM_004727.3(SLC24A1):c.169C>T (p.His57Tyr)

Gene: SLC24A1 (solute carrier family 24 member 1; plus strand). Cytogenetic location: 15q22.31.
Variant type: single nucleotide variant.
Coding change: c.169C>T on transcript NM_004727.3 (MANE Select); coding-DNA position 169, C replaced by T.
Protein change: p.His57Tyr; replaces histidine 57 with tyrosine.
Molecular consequence: missense variant.
Genome position (GRCh38, 1-based): chr15:65,624,249, C>T. VCF-style: chr15-65624249-C-T. GRCh37 (hg19) VCF-style: chr15-65916587-C-T.
Other names: c.169C>T, p.His57Tyr (NM_001301031.1, NM_001301032.1, NM_001301033.2 and 1 more transcripts); short protein forms H57Y.
Identifiers: ClinVar variation 2098311 (VCV002098311.4), dbSNP rs2548353959, ClinGen allele CA392912552.

ClinVar aggregate classification (germline): Uncertain significance (1 of 4 stars; one submission).

Allele frequency attached by ClinVar (database versions not stated): gnomAD exomes below 0.00001.
gnomAD v4.1: 1 of 1,613,896 alleles (0.000062%); highest among the groups gnomAD compares: Non-Finnish European, 0.000085%; no homozygotes.

Submission:

Labcorp Genetics (formerly Invitae), Labcorp
Classification: Uncertain significance. Last evaluated: 2022-04-19. Review status: criteria provided, single submitter. Criteria: Invitae Variant Classification Sherloc (09022015). Collection method: clinical testing. Allele origin: germline.
Comment: This sequence change replaces histidine, which is basic and polar, with tyrosine, which is neutral and polar, at codon 57 of the SLC24A1 protein (p.His57Tyr). In summary, the available evidence is currently insufficient to determine the role of this variant in disease. Therefore, it has been classified as a Variant of Uncertain Significance. Algorithms developed to predict the effect of missense changes on protein structure and function (SIFT, PolyPhen-2, Align-GVGD) all suggest that this variant is likely to be tolerated. This variant has not been reported in the literature in individuals affected with SLC24A1-related conditions. This variant is not present in population databases (gnomAD no frequency).